The following is an entry in ClinVar:

NM_000082.4(ERCC8):c.174-1G>T

Gene: ERCC8 (ERCC excision repair 8, CSA ubiquitin ligase complex subunit; minus strand). Cytogenetic location: 5q12.1.
Variant type: single nucleotide variant.
Coding change: c.174-1G>T on transcript NM_000082.4 (MANE Select); the canonical splice acceptor site of the intron before coding-DNA position 174, G replaced by T.
Molecular consequence: splice acceptor variant.
Genome position (GRCh38, 1-based): chr5:60,922,156, C>A on the plus strand (G>T on the coding strand, the complement: ERCC8 is on the minus strand). VCF-style: chr5-60922156-C-A. GRCh37 (hg19) VCF-style: chr5-60217983-C-A.
Other names: c.-204-1G>T (NM_001290285.2); c.-1-1G>T (NM_001007233.3); c.174-1G>T (NM_001007234.3).
Identifiers: ClinVar variation 1494048 (VCV001494048.8), dbSNP rs551105507, ClinGen allele CA359828325.

ClinVar aggregate classification (germline): Likely pathogenic (1 of 4 stars; one submission).

Submission:

Labcorp Genetics (formerly Invitae), Labcorp
Classification: Likely pathogenic. Last evaluated: 2020-12-02. Review status: criteria provided, single submitter. Criteria: Invitae Variant Classification Sherloc (09022015). Collection method: clinical testing. Allele origin: germline.
Comment: This variant is not present in population databases (ExAC no frequency). In summary, the currently available evidence indicates that the variant is pathogenic, but additional data are needed to prove that conclusively. Therefore, this variant has been classified as Likely Pathogenic. Algorithms developed to predict the effect of sequence changes on RNA splicing suggest that this variant may disrupt the consensus splice site, but this prediction has not been confirmed by published transcriptional studies. This variant has not been reported in the literature in individuals with ERCC8-related conditions. This sequence change affects an acceptor splice site in intron 2 of the ERCC8 gene. It is expected to disrupt RNA splicing. Variants that disrupt the donor or acceptor splice site typically lead to a loss of protein function (PMID: 16199547), and loss-of-function variants in ERCC8 are known to be pathogenic (PMID: 29572252).

Literature cited by the submitters: PubMed 16199547; PubMed 29572252.